The following is an entry in ClinVar:

NM_014738.6(TMEM94):c.3642C>G (p.Asn1214Lys)

Gene: TMEM94 (transmembrane protein 94; plus strand). Cytogenetic location: 17q25.1.
Variant type: single nucleotide variant.
Coding change: c.3642C>G on transcript NM_014738.6 (MANE Select); coding-DNA position 3642, C replaced by G.
Protein change: p.Asn1214Lys; replaces asparagine 1214 with lysine.
Molecular consequence: missense variant.
Genome position (GRCh38, 1-based): chr17:75,498,447, C>G. VCF-style: chr17-75498447-C-G. GRCh37 (hg19) VCF-style: chr17-73494528-C-G.
Other names: c.3672C>G, p.Asn1224Lys (NM_001321148.2); c.3654C>G, p.Asn1218Lys (NM_001321149.2); c.3594C>G, p.Asn1198Lys (NM_001351202.2); c.3669C>G, p.Asn1223Lys (NM_001351203.2); c.3642C>G (NM_014738.5); short protein forms N1214K, N1218K, N1224K, N1198K, N1223K.
Identifiers: ClinVar variation 2456701 (VCV002456701.28), dbSNP rs138177817, ClinGen allele CA8762595.

ClinVar aggregate classification (germline): Likely benign. Review status: criteria provided, multiple submitters, no conflicts (2 of 4 stars). 4 submissions from 4 submitters: Likely benign (3). 1 of the submissions does not count toward it. Last evaluated 2026-03-01.

Conditions:
Inborn genetic diseases. Identifiers: MedGen C0950123, MeSH D030342.
TMEM94-related disorder. Also called: TMEM94-related condition.

Allele frequency attached by ClinVar (database versions not stated): ESP Exome Variant Server 0.00069; 1000 Genomes Project 0.00120; 1000 Genomes Project 30x 0.00125.
gnomAD v4.1: 1,394 of 1,587,484 alleles (0.088%); highest among the groups gnomAD compares: Middle Eastern, 2.6%; 6 homozygotes.

Submissions (4):

CeGaT Center for Human Genetics Tuebingen
Classification: Likely benign. Last evaluated: 2026-03-01. Review status: criteria provided, single submitter. Criteria: CeGaT Center For Human Genetics Tuebingen Variant Classification Criteria Version 2. Collection method: clinical testing. Allele origin: germline. Affected: yes. Observed: 10 variant alleles.
Comment: TMEM94: BP4, BS2

Blueprint Genetics
Classification: Likely benign. Last evaluated: 2024-11-27. Review status: criteria provided, single submitter. Criteria: ACMG Guidelines, 2015. Collection method: clinical testing. Allele origin: germline.

Ambry Genetics
Classification: Likely benign for Inborn genetic diseases. Last evaluated: 2023-02-28. Review status: criteria provided, single submitter. Criteria: Ambry Variant Classification Scheme 2023. Collection method: clinical testing. Allele origin: germline.

PreventionGenetics, part of Exact Sciences
Classification: Likely benign for TMEM94-related condition. Last evaluated: 2021-06-30. Review status: no assertion criteria provided. Collection method: clinical testing. Allele origin: germline. Not counted in ClinVar's aggregate classification.
Comment: This variant is classified as likely benign based on ACMG/AMP sequence variant interpretation guidelines (Richards et al. 2015 PMID: 25741868, with internal and published modifications).